The following is an entry in ClinVar:

NM_006005.3(WFS1):c.225C>T (p.Asp75=)

Gene: WFS1 (wolframin ER transmembrane glycoprotein; plus strand). Cytogenetic location: 4p16.1.
Variant type: single nucleotide variant.
Coding change: c.225C>T on transcript NM_006005.3 (MANE Select); coding-DNA position 225, C replaced by T.
Protein change: p.Asp75=; no amino-acid change (aspartic acid 75 retained).
Molecular consequence: synonymous variant.
Genome position (GRCh38, 1-based): chr4:6,277,680, C>T. VCF-style: chr4-6277680-C-T. GRCh37 (hg19) VCF-style: chr4-6279407-C-T.
Other names: p.Asp75=; c.225C>T, p.Asp75= (NM_001145853.1).
Identifiers: ClinVar variation 166569 (VCV000166569.35), dbSNP rs35216268, ClinGen allele CA179629.

ClinVar aggregate classification (germline): Benign/Likely benign. Review status: criteria provided, multiple submitters, no conflicts (2 of 4 stars). 12 submissions from 11 submitters: Benign (8); Likely benign (2). 2 of the submissions do not count toward it. Last evaluated 2026-07-01.

Conditions:
WFS1-Related Spectrum Disorders.
Autosomal dominant nonsyndromic hearing loss 6 (LFSNHL). Also called: Autosomal dominant nonsyndromic deafness 6; DEAFNESS, AUTOSOMAL DOMINANT 14; DEAFNESS, AUTOSOMAL DOMINANT 38; DEAFNESS, AUTOSOMAL DOMINANT 6. Identifiers: Orphanet 90635, MedGen C1833021, MONDO:0010963, OMIM 600965.
Wolfram syndrome 1 (WFS1). Identifiers: Orphanet 3463, MedGen C4551693, MONDO:0009101, OMIM 222300.

Allele frequency attached by ClinVar (database versions not stated): gnomAD exomes 0.00037 and 0.00068; ExAC 0.00177; 1000 Genomes Project 0.00240; 1000 Genomes Project 30x 0.00250; gnomAD 0.00329 and 0.00366; ESP Exome Variant Server 0.00332; TOPMed 0.00388.
gnomAD v4.1: 1,048 of 1,559,792 alleles (0.067%); highest among the groups gnomAD compares: African/African-American, 1.2%; 6 homozygotes.

Submissions (12):

CeGaT Center for Human Genetics Tuebingen
Classification: Likely benign. Last evaluated: 2026-07-01. Review status: criteria provided, single submitter. Criteria: CeGaT Center For Human Genetics Tuebingen Variant Classification Criteria Version 2. Collection method: clinical testing. Allele origin: germline. Affected: yes. Observed: 4 variant alleles.
Comment: WFS1: BP4, BP7, BS1

Labcorp Genetics (formerly Invitae), Labcorp
Classification: Benign. Last evaluated: 2026-02-01. Review status: criteria provided, single submitter. Criteria: Invitae Variant Classification Sherloc (09022015). Collection method: clinical testing. Allele origin: germline.

Blueprint Genetics
Classification: Likely benign. Last evaluated: 2024-07-30. Review status: criteria provided, single submitter. Criteria: ACMG Guidelines, 2015. Collection method: clinical testing. Allele origin: germline.

Mayo Clinic Laboratories, Mayo Clinic
Classification: Benign. Last evaluated: 2024-04-02. Review status: criteria provided, single submitter. Criteria: ACMG Guidelines, 2015. Collection method: clinical testing. Allele origin: germline. Observed: 3 variant alleles.
Comment: BS1, BS2, BP4, BP7

Illumina Laboratory Services, Illumina
Classification: Benign for WFS1-Related Spectrum Disorders. Last evaluated: 2018-01-13. Review status: criteria provided, single submitter. Criteria: ICSL Variant Classification Criteria 13 December 2019. Collection method: clinical testing. Allele origin: germline.
Comment: This variant was observed in the ICSL laboratory as part of a predisposition screen in an ostensibly healthy population. It had not been previously curated by ICSL or reported in the Human Gene Mutation Database (HGMD: prior to June 1st, 2018), and was therefore a candidate for classification through an automated scoring system. Utilizing variant allele frequency, disease prevalence and penetrance estimates, and inheritance mode, an automated score was calculated to assess if this variant is too frequent to cause the disease. Based on the score and internal cut-off values, a variant classified as benign is not then subjected to further curation. The score for this variant resulted in a classification of benign for this disease.

Illumina Laboratory Services, Illumina
Classification: Benign for Autosomal dominant nonsyndromic hearing loss 6. Last evaluated: 2018-01-13. Review status: criteria provided, single submitter. Criteria: ICSL Variant Classification Criteria 13 December 2019. Collection method: clinical testing. Allele origin: germline.
Comment: the same text as in the submission from Illumina Laboratory Services, Illumina above.

GeneDx
Classification: Benign. Last evaluated: 2015-04-09. Review status: criteria provided, single submitter. Criteria: GeneDx Variant Classification (06012015). Collection method: clinical testing. Allele origin: germline. Affected: yes.
Comment: This variant is considered likely benign or benign based on one or more of the following criteria: it is a conservative change, it occurs at a poorly conserved position in the protein, it is predicted to be benign by multiple in silico algorithms, and/or has population frequency not consistent with disease.

Laboratory for Molecular Medicine, Mass General Brigham Personalized Medicine
Classification: Benign. Last evaluated: 2012-04-30. Review status: criteria provided, single submitter. Criteria: LMM Criteria. Collection method: clinical testing. Allele origin: germline. Observed: 2 variant alleles.
Comment: Asp75Asp in Exon 02 of WFS1: This variant is not expected to have clinical signi ficance because it does not alter an amino acid residue, is not located within t he splice consensus sequence, and has been identified in 0.9% (32/3598) of Afric an American chromosomes from a broad population by the NHLBI Exome Sequencing Pr oject (dbSNP rs35216268).

Breakthrough Genomics
Classification: Benign. Review status: criteria provided, single submitter. Criteria: ACMG Guidelines, 2015. Collection method: not provided. Allele origin: germline. Inheritance: Autosomal recessive inheritance. Affected: yes.

Clinical Genomics, Uppaluri K&H Personalized Medicine Clinic
Classification: Benign for Wolfram syndrome 1. Review status: criteria provided, single submitter. Criteria: K & H Uppaluri Personalized Medicine Clinic Variant Classification & Assertion Criteria_Updated V.1. Collection method: research. Allele origin: unknown. Inheritance: Autosomal recessive inheritance.
Comment: Potent mutations in WFS1 gene are associated with Wolfram's syndrome, an autosomal recessive condition, which cause diabetes mellitus, diabetes insipidus, deafness and optic atrophy. However no sufficient evidence is found to ascertain the role of this particular variant rs35216268 in Wolfram's syndrome yet.

Clinical Genetics, Academic Medical Center
Classification: Benign. Review status: no assertion criteria provided. Collection method: clinical testing. Allele origin: germline. Affected: yes. Study: VKGL Data-share Consensus. Not counted in ClinVar's aggregate classification.

Laboratory of Diagnostic Genome Analysis, Leiden University Medical Center (LUMC)
Classification: Likely benign. Review status: no assertion criteria provided. Collection method: clinical testing. Allele origin: germline. Affected: yes. Study: VKGL Data-share Consensus. Not counted in ClinVar's aggregate classification.

Literature cited by the submitters: PubMed 20738327 (cited by Clinical Genomics, Uppaluri K&H Personalized Medicine Clinic); PubMed 33879153 (cited by Clinical Genomics, Uppaluri K&H Personalized Medicine Clinic); PubMed 12955714 (cited by Clinical Genomics, Uppaluri K&H Personalized Medicine Clinic); PubMed 18060660 (cited by Clinical Genomics, Uppaluri K&H Personalized Medicine Clinic); PubMed 20301750 (cited by Clinical Genomics, Uppaluri K&H Personalized Medicine Clinic); PubMed 17603484 (cited by Clinical Genomics, Uppaluri K&H Personalized Medicine Clinic).